The following is an entry in ClinVar:

ClinVar aggregate classification (germline): Uncertain significance (1 of 4 stars; one submission).

Submission:

GeneDx
Classification: Uncertain significance. Last evaluated: 2026-03-26. Review status: criteria provided, single submitter. Criteria: GeneDx Variant Classification Process June 2021. Collection method: clinical testing. Allele origin: germline.
Comment: Not observed at significant frequency in large population cohorts (gnomAD); In silico analysis supports that this missense variant has a deleterious effect on protein structure/function; Has not been previously published as pathogenic or benign to our knowledge

NM_003024.3(ITSN1):c.3329G>T (p.Gly1110Val)

Gene: ITSN1 (intersectin 1; plus strand). Cytogenetic location: 21q22.11.
Variant type: single nucleotide variant.
Coding change: c.3329G>T on transcript NM_003024.3 (MANE Select); coding-DNA position 3329, G replaced by T.
Protein change: p.Gly1110Val; replaces glycine 1110 with valine.
Molecular consequence: missense variant.
Genome position (GRCh38, 1-based): chr21:33,829,723, G>T. VCF-style: chr21-33829723-G-T. GRCh37 (hg19) VCF-style: chr21-35202027-G-T.
Other names: c.3329G>T, p.Gly1110Val (NM_001001132.2); c.3116G>T, p.Gly1039Val (NM_001331008.2); c.3314G>T, p.Gly1105Val (NM_001331009.2, NM_001331010.2); c.3101G>T, p.Gly1034Val (NM_001331011.2); c.3203G>T, p.Gly1068Val (NM_001331012.2); short protein forms G1034V, G1039V, G1068V, G1105V, G1110V.
Identifiers: ClinVar variation 5017622 (VCV005017622.1).